The following is an entry in ClinVar:

NM_020822.3(KCNT1):c.3466C>T (p.Arg1156Cys)

Gene: KCNT1 (potassium sodium-activated channel subfamily T member 1; plus strand). Cytogenetic location: 9q34.3.
Variant type: single nucleotide variant.
Coding change: c.3466C>T on transcript NM_020822.3 (MANE Select); coding-DNA position 3466, C replaced by T.
Protein change: p.Arg1156Cys; replaces arginine 1156 with cysteine.
Molecular consequence: missense variant.
Genome position (GRCh38, 1-based): chr9:135,786,485, C>T. VCF-style: chr9-135786485-C-T. GRCh37 (hg19) VCF-style: chr9-138678331-C-T.
Other names: c.3331C>T, p.Arg1111Cys (NM_001272003.2); short protein forms R1111C, R1156C.
Identifiers: ClinVar variation 1922596 (VCV001922596.5), dbSNP rs1225832562, ClinGen allele CA375492340.

ClinVar aggregate classification (germline): Uncertain significance (1 of 4 stars; one submission).

Conditions:
Autosomal dominant nocturnal frontal lobe epilepsy 5. Also called: CILIARY DYSKINESIA, PRIMARY, 28, WITHOUT SITUS INVERSUS; Epilepsy, nocturnal frontal lobe, 5; KCNT1-Related Epilepsy; CILIARY DYSKINESIA, PRIMARY, 28, WITH SITUS INVERSUS. Identifiers: Orphanet 98784, MedGen C3554306, MONDO:0014002, OMIM 615005.
Developmental and epileptic encephalopathy, 14 (DEE14). Also called: Early infantile epileptic encephalopathy 14. Identifiers: Orphanet 293181, MedGen C3554195, MONDO:0013989, OMIM 614959.

Allele frequency attached by ClinVar (database versions not stated): TOPMed below 0.00001; gnomAD 0.00001; gnomAD exomes 0.00001.
gnomAD v4.1: 12 of 1,602,728 alleles (0.00075%); highest among the groups gnomAD compares: African/African-American, 0.0013%; no homozygotes.

Submission:

Labcorp Genetics (formerly Invitae), Labcorp
Classification: Uncertain significance for Autosomal dominant nocturnal frontal lobe epilepsy 5; Developmental and epileptic encephalopathy, 14. Last evaluated: 2022-05-04. Review status: criteria provided, single submitter. Criteria: Invitae Variant Classification Sherloc (09022015). Collection method: clinical testing. Allele origin: germline.
Comment: This sequence change replaces arginine, which is basic and polar, with cysteine, which is neutral and slightly polar, at codon 1156 of the KCNT1 protein (p.Arg1156Cys). The frequency data for this variant in the population databases is considered unreliable, as metrics indicate poor data quality at this position in the gnomAD database. This variant has not been reported in the literature in individuals affected with KCNT1-related conditions. Advanced modeling of protein sequence and biophysical properties (such as structural, functional, and spatial information, amino acid conservation, physicochemical variation, residue mobility, and thermodynamic stability) performed at Invitae indicates that this missense variant is expected to disrupt KCNT1 protein function. In summary, the available evidence is currently insufficient to determine the role of this variant in disease. Therefore, it has been classified as a Variant of Uncertain Significance.